The following is an entry in ClinVar:

NM_002474.3(MYH11):c.3963+2T>C

Genes: NDE1 (nudE neurodevelopment protein 1; plus strand), MYH11 (myosin heavy chain 11; minus strand). Cytogenetic location: 16p13.11.
Variant type: single nucleotide variant.
Coding change: c.3963+2T>C on transcript NM_002474.3 (MANE Select); the canonical splice donor site of the intron after coding-DNA position 3963, T replaced by C.
Molecular consequence: splice donor variant. On other transcripts: 3 prime UTR variant (2).
Genome position (GRCh38, 1-based): chr16:15,724,886, A>G on the plus strand (T>C on the coding strand, the complement: MYH11 is on the minus strand). VCF-style: chr16-15724886-A-G. GRCh37 (hg19) VCF-style: chr16-15818743-A-G.
Other names: c.*635A>G (NM_001143979.2, NM_017668.3); c.3963+2T>C (NM_022844.3); c.3984+2T>C (NM_001040114.2, NM_001040113.2).
Identifiers: ClinVar variation 927613 (VCV000927613.6), dbSNP rs111325146, ClinGen allele CA394858754.

ClinVar aggregate classification (germline): Conflicting classifications of pathogenicity. Review status: criteria provided, conflicting classifications (1 of 4 stars). 2 submissions from 2 submitters: Likely pathogenic (1); Uncertain significance (1). Last evaluated 2023-10-22.

Conditions:
Familial thoracic aortic aneurysm and aortic dissection (TAAD). Also called: Thoracic aortic aneurysms and dissections. Identifiers: Orphanet 91387, MedGen C4707243, MONDO:0019625.
Aortic aneurysm, familial thoracic 4 (AAT4). Also called: AORTIC ANEURYSM/AORTIC DISSECTION AND PATENT DUCTUS ARTERIOSUS. Identifiers: MedGen C1851504, MONDO:0007568, OMIM 132900.

Submissions (2):

Labcorp Genetics (formerly Invitae), Labcorp
Classification: Likely pathogenic for Aortic aneurysm, familial thoracic 4. Last evaluated: 2023-10-22. Review status: criteria provided, single submitter. Criteria: Invitae Variant Classification Sherloc (09022015). Collection method: clinical testing. Allele origin: germline.
Comment: This sequence change affects a donor splice site in intron 30 of the MYH11 gene. It is expected to disrupt RNA splicing. Variants that disrupt the donor or acceptor splice site typically lead to a loss of protein function (PMID: 16199547), and loss-of-function variants in MYH11 are known to be pathogenic (PMID: 25407000, 29575632). This variant is not present in population databases (gnomAD no frequency). This variant has not been reported in the literature in individuals affected with MYH11-related conditions. ClinVar contains an entry for this variant (Variation ID: 927613). In summary, the currently available evidence indicates that the variant is pathogenic, but additional data are needed to prove that conclusively. Therefore, this variant has been classified as Likely Pathogenic.

Color Diagnostics, LLC DBA Color Health
Classification: Uncertain significance for Familial thoracic aortic aneurysm and aortic dissection. Last evaluated: 2019-05-20. Review status: criteria provided, single submitter. Criteria: ACMG Guidelines, 2015. Collection method: clinical testing. Allele origin: germline.
Comment: This variant alters intron 30 canonical splice donor site of the MYH11 gene. Computational splicing tools suggest that this variant may disrupt RNA splicing. To our knowledge, functional studies have not been performed to investigate this prediction. This variant has not been reported in individuals affected with cardiovascular disorders in the literature. This variant has not been identified in the general population by the Genome Aggregation Database (gnomAD). Clinical significance of loss-of-function truncation and splice variants in the MYH11 gene is not clearly established. Available evidence is insufficient to determine the role of this variant in disease conclusively. Therefore, this variant is classified as a Variant of Uncertain Significance.

Literature cited by the submitters: PubMed 16199547 (cited by Labcorp Genetics (formerly Invitae), Labcorp); PubMed 25407000 (cited by Labcorp Genetics (formerly Invitae), Labcorp); PubMed 29575632 (cited by Labcorp Genetics (formerly Invitae), Labcorp).